The following is an entry in ClinVar:

ClinVar aggregate classification (germline): Uncertain significance (1 of 4 stars; one submission).

Allele frequency attached by ClinVar (database versions not stated): ExAC 0.00001; gnomAD 0.00001; TOPMed 0.00001.
gnomAD v4.1: 12 of 1,614,008 alleles (0.00074%); highest among the groups gnomAD compares: Admixed American, 0.005%; no homozygotes.

Submission:

Labcorp Genetics (formerly Invitae), Labcorp
Classification: Uncertain significance. Last evaluated: 2025-09-23. Review status: criteria provided, single submitter. Criteria: Invitae Variant Classification Sherloc (09022015). Collection method: clinical testing. Allele origin: germline.
Comment: This sequence change replaces serine, which is neutral and polar, with leucine, which is neutral and non-polar, at codon 304 of the JAK1 protein (p.Ser304Leu). This variant is present in population databases (rs748142963, gnomAD 0.006%). This variant has not been reported in the literature in individuals affected with JAK1-related conditions. ClinVar contains an entry for this variant (Variation ID: 2181992). Invitae Evidence Modeling of protein sequence and biophysical properties (such as structural, functional, and spatial information, amino acid conservation, physicochemical variation, residue mobility, and thermodynamic stability) indicates that this missense variant is not expected to disrupt JAK1 protein function with a negative predictive value of 80%. In summary, the available evidence is currently insufficient to determine the role of this variant in disease. Therefore, it has been classified as a Variant of Uncertain Significance.

NM_002227.4(JAK1):c.911C>T (p.Ser304Leu)

Gene: JAK1 (Janus kinase 1; minus strand). Cytogenetic location: 1p31.3.
Variant type: single nucleotide variant.
Coding change: c.911C>T on transcript NM_002227.4 (MANE Select); coding-DNA position 911, C replaced by T.
Protein change: p.Ser304Leu; replaces serine 304 with leucine.
Molecular consequence: missense variant.
Genome position (GRCh38, 1-based): chr1:64,866,945, G>A on the plus strand (C>T on the coding strand, the complement: JAK1 is on the minus strand). VCF-style: chr1-64866945-G-A. GRCh37 (hg19) VCF-style: chr1-65332628-G-A.
Other names: c.911C>T, p.Ser304Leu (NM_001320923.2, NM_001321852.2, NM_001321853.2 and 4 more transcripts); short protein forms S304L.
Identifiers: ClinVar variation 2181992 (VCV002181992.4), dbSNP rs748142963, ClinGen allele CA893076.